The following is an entry in ClinVar:

NM_001297595.2(SIN3B):c.841C>G (p.Pro281Ala)

Gene: SIN3B (SIN3 transcription regulator family member B; plus strand). Cytogenetic location: 19p13.11.
Variant type: single nucleotide variant.
Coding change: c.841C>G on transcript NM_001297595.2 (MANE Select); coding-DNA position 841, C replaced by G.
Protein change: p.Pro281Ala; replaces proline 281 with alanine.
Molecular consequence: missense variant.
Genome position (GRCh38, 1-based): chr19:16,851,526, C>G. VCF-style: chr19-16851526-C-G. GRCh37 (hg19) VCF-style: chr19-16962337-C-G.
Other names: c.841C>G, p.Pro281Ala (NM_015260.4); c.841C>G (NM_015260.2); short protein forms P281A.
Identifiers: ClinVar variation 2580026 (VCV002580026.2), dbSNP rs781358567, ClinGen allele CA404638062.

ClinVar aggregate classification (germline): Uncertain significance. Review status: criteria provided, multiple submitters, no conflicts (2 of 4 stars). 2 submissions from 2 submitters: Uncertain significance (2). Last evaluated 2025-05-06.

gnomAD v4.1: 1 of 1,599,314 alleles (0.000063%); highest among the groups gnomAD compares: Admixed American, 0.0017%; no homozygotes.

Submissions (2):

Ambry Genetics
Classification: Uncertain significance. Last evaluated: 2025-05-06. Review status: criteria provided, single submitter. Criteria: Ambry Variant Classification Scheme 2023. Collection method: clinical testing. Allele origin: germline.

GeneDx
Classification: Uncertain significance. Last evaluated: 2023-03-13. Review status: criteria provided, single submitter. Criteria: GeneDx Variant Classification Process June 2021. Collection method: clinical testing. Allele origin: germline. Affected: yes.
Comment: Not observed at significant frequency in large population cohorts (gnomAD); In silico analysis supports that this missense variant has a deleterious effect on protein structure/function; Has not been previously published as pathogenic or benign to our knowledge